The following is an entry in ClinVar:

NM_001040108.2(MLH3):c.1352G>C (p.Ser451Thr)

Gene: MLH3 (mutL homolog 3; minus strand). Cytogenetic location: 14q24.3.
Variant type: single nucleotide variant.
Coding change: c.1352G>C on transcript NM_001040108.2 (MANE Select); coding-DNA position 1352, G replaced by C.
Protein change: p.Ser451Thr; replaces serine 451 with threonine.
Molecular consequence: missense variant.
Genome position (GRCh38, 1-based): chr14:75,048,304, C>G on the plus strand (G>C on the coding strand, the complement: MLH3 is on the minus strand). VCF-style: chr14-75048304-C-G. GRCh37 (hg19) VCF-style: chr14-75515007-C-G.
Other names: c.1352G>C, p.Ser451Thr (NM_014381.3); short protein forms S451T.
Identifiers: ClinVar variation 647513 (VCV000647513.11), dbSNP rs1566607594, ClinGen allele CA390446288.

ClinVar aggregate classification (germline): Uncertain significance. Review status: criteria provided, multiple submitters, no conflicts (2 of 4 stars). 2 submissions from 2 submitters: Uncertain significance (2). Last evaluated 2026-01-18.

Conditions:
Colorectal cancer, hereditary nonpolyposis, type 7. Identifiers: Orphanet 144, MedGen C1858380, MONDO:0013725, OMIM 614385.

gnomAD v4.1: 1 of 1,614,060 alleles (0.000062%); highest among the groups gnomAD compares: Middle Eastern, 0.016%; no homozygotes.

Submissions (2):

Ambry Genetics
Classification: Uncertain significance. Last evaluated: 2026-01-18. Review status: criteria provided, single submitter. Criteria: Ambry Variant Classification Scheme 2023. Collection method: clinical testing. Allele origin: germline.
Comment: The p.S451T variant (also known as c.1352G>C), located in coding exon 1 of the MLH3 gene, results from a G to C substitution at nucleotide position 1352. The serine at codon 451 is replaced by threonine, an amino acid with similar properties. This amino acid position is conserved. In addition, this alteration is predicted to be tolerated by in silico analysis. Based on the available evidence, the clinical significance of this variant remains unclear.

Labcorp Genetics (formerly Invitae), Labcorp
Classification: Uncertain significance for Colorectal cancer, hereditary nonpolyposis, type 7. Last evaluated: 2019-11-09. Review status: criteria provided, single submitter. Criteria: Invitae Variant Classification Sherloc (09022015). Collection method: clinical testing. Allele origin: germline.
Comment: In summary, the available evidence is currently insufficient to determine the role of this variant in disease. Therefore, it has been classified as a Variant of Uncertain Significance. Algorithms developed to predict the effect of missense changes on protein structure and function (SIFT, PolyPhen-2, Align-GVGD) all suggest that this variant is likely to be tolerated, but these predictions have not been confirmed by published functional studies and their clinical significance is uncertain. This variant has not been reported in the literature in individuals with MLH3-related disease. This variant is not present in population databases (ExAC no frequency). This sequence change replaces serine with threonine at codon 451 of the MLH3 protein (p.Ser451Thr). The serine residue is weakly conserved and there is a small physicochemical difference between serine and threonine.